The following is an entry in ClinVar:

NM_001205293.3(CACNA1E):c.264G>T (p.Trp88Cys)

Gene: CACNA1E (calcium voltage-gated channel subunit alpha1 E; plus strand). Cytogenetic location: 1q25.3.
Variant type: single nucleotide variant.
Coding change: c.264G>T on transcript NM_001205293.3 (MANE Select); coding-DNA position 264, G replaced by T.
Protein change: p.Trp88Cys; replaces tryptophan 88 with cysteine.
Molecular consequence: missense variant.
Genome position (GRCh38, 1-based): chr1:181,484,008, G>T. VCF-style: chr1-181484008-G-T. GRCh37 (hg19) VCF-style: chr1-181453144-G-T.
Other names: c.264G>T, p.Trp88Cys (NM_000721.4, NM_001205294.2); short protein forms W88C.
Identifiers: ClinVar variation 2663486 (VCV002663486.1), dbSNP rs2526279683, ClinGen allele CA343844699.

ClinVar aggregate classification (germline): Uncertain significance (1 of 4 stars; one submission).

Allele frequency attached by ClinVar (database versions not stated): gnomAD exomes below 0.00001.
gnomAD v4.1: 1 of 1,612,986 alleles (0.000062%); highest among the groups gnomAD compares: Non-Finnish European, 0.000085%; no homozygotes.

Submission:

GeneDx
Classification: Uncertain significance. Last evaluated: 2023-04-18. Review status: criteria provided, single submitter. Criteria: GeneDx Variant Classification Process June 2021. Collection method: clinical testing. Allele origin: germline. Affected: yes.
Comment: Not observed at significant frequency in large population cohorts (gnomAD); In silico analysis supports that this missense variant has a deleterious effect on protein structure/function; Has not been previously published as pathogenic or benign to our knowledge